The following is an entry in ClinVar:

ClinVar aggregate classification (germline): Uncertain significance (1 of 4 stars; one submission).

Conditions:
Early-infantile DEE. Also called: Early infantile epileptic encephalopathy; Early infantile epileptic encephalopathy with suppression bursts; Ohtahara syndrome. Identifiers: Orphanet 1934, MedGen C0393706, MONDO:0800491.

Submission:

Labcorp Genetics (formerly Invitae), Labcorp
Classification: Uncertain significance for Early-infantile DEE. Last evaluated: 2022-02-08. Review status: criteria provided, single submitter. Criteria: Invitae Variant Classification Sherloc (09022015). Collection method: clinical testing. Allele origin: germline.
Comment: This sequence change replaces tyrosine, which is neutral and polar, with histidine, which is basic and polar, at codon 275 of the ST3GAL3 protein (p.Tyr275His). This variant is not present in population databases (gnomAD no frequency). This variant has not been reported in the literature in individuals affected with ST3GAL3-related conditions. ClinVar contains an entry for this variant (Variation ID: 530539). Algorithms developed to predict the effect of missense changes on protein structure and function are either unavailable or do not agree on the potential impact of this missense change (SIFT: "Tolerated"; PolyPhen-2: "Probably Damaging"; Align-GVGD: "Class C0"). In summary, the available evidence is currently insufficient to determine the role of this variant in disease. Therefore, it has been classified as a Variant of Uncertain Significance.

NM_006279.5(ST3GAL3):c.823T>C (p.Tyr275His)

Gene: ST3GAL3 (ST3 beta-galactoside alpha-2,3-sialyltransferase 3; plus strand). Cytogenetic location: 1p34.1.
Variant type: single nucleotide variant.
Coding change: c.823T>C on transcript NM_006279.5 (MANE Select); coding-DNA position 823, T replaced by C.
Protein change: p.Tyr275His; replaces tyrosine 275 with histidine.
Molecular consequence: missense variant. On other transcripts: non-coding transcript variant (6), intron variant (12).
Genome position (GRCh38, 1-based): chr1:43,920,482, T>C. VCF-style: chr1-43920482-T-C. GRCh37 (hg19) VCF-style: chr1-44386154-T-C.
Other names: c.730T>C, p.Tyr244His (NM_001270460.2); c.868T>C, p.Tyr290His (NM_001350619.2, NM_174964.4); c.823T>C, p.Tyr275His (NM_001350620.2); c.544T>C, p.Tyr182His (NM_001350621.2); c.1030T>C, p.Tyr344His (NM_174963.5); c.985T>C, p.Tyr329His (NM_174968.5); c.775T>C, p.Tyr259His (NM_174969.4); c.937T>C, p.Tyr313His (NM_174971.5); and 12 more; short protein forms Y275H, Y344H, Y244H, Y313H, Y259H, Y290H, Y329H, Y182H.
Identifiers: ClinVar variation 530539 (VCV000530539.9), dbSNP rs1553140040, ClinGen allele CA340031901.